The following is an entry in ClinVar:

NM_001807.6(CEL):c.2133C>T (p.Thr711=)

Gene: CEL (carboxyl ester lipase; plus strand). Cytogenetic location: 9q34.13.
Variant type: single nucleotide variant.
Coding change: c.2133C>T on transcript NM_001807.6 (MANE Select); coding-DNA position 2133, C replaced by T.
Protein change: p.Thr711=; no amino-acid change (threonine 711 retained).
Molecular consequence: synonymous variant.
Genome position (GRCh38, 1-based): chr9:133,071,635, C>T. VCF-style: chr9-133071635-C-T. GRCh37 (hg19) VCF-style: chr9-135947022-C-T.
Identifiers: ClinVar variation 3898755 (VCV003898755.7).

ClinVar aggregate classification (germline): Likely benign (1 of 4 stars; one submission).

Submission:

CeGaT Center for Human Genetics Tuebingen
Classification: Likely benign. Last evaluated: 2025-04-01. Review status: criteria provided, single submitter. Criteria: CeGaT Center For Human Genetics Tuebingen Variant Classification Criteria Version 2. Collection method: clinical testing. Allele origin: germline. Affected: yes. Observed: 1 variant allele.
Comment: CEL: BP4, BP7